The following is an entry in ClinVar:

ClinVar aggregate classification (germline): Likely pathogenic (1 of 4 stars; one submission).

Allele frequency attached by ClinVar (database versions not stated): gnomAD exomes below 0.00001; TOPMed below 0.00001; ExAC 0.00001; gnomAD 0.00001.
gnomAD v4.1: 4 of 1,614,134 alleles (0.00025%); highest among the groups gnomAD compares: South Asian, 0.0011%; no homozygotes.

Submission:

Labcorp Genetics (formerly Invitae), Labcorp
Classification: Likely pathogenic. Last evaluated: 2022-01-10. Review status: criteria provided, single submitter. Criteria: Invitae Variant Classification Sherloc (09022015). Collection method: clinical testing. Allele origin: germline.
Comment: In summary, the currently available evidence indicates that the variant is pathogenic, but additional data are needed to prove that conclusively. Therefore, this variant has been classified as Likely Pathogenic. Experimental studies and prediction algorithms are not available or were not evaluated, and the effect of this variant on mRNA splicing is currently unknown. ClinVar contains an entry for this variant (Variation ID: 632208). This variant has not been reported in the literature in individuals affected with COL4A2-related conditions. This variant is present in population databases (rs745376502, gnomAD 0.0009%). This sequence change affects an acceptor splice site in intron 22 of the COL4A2 gene. It is expected to disrupt RNA splicing. Variants that disrupt the donor or acceptor splice site typically lead to a loss of protein function (PMID: 16199547), and loss-of-function variants in COL4A2 are known to be pathogenic (PMID: 22333902, 30315939).

Literature cited by the submitters: PubMed 16199547; PubMed 22333902; PubMed 30315939.

NM_001846.4(COL4A2):c.1597-1G>A

Genes: COL4A2 (collagen type IV alpha 2 chain; plus strand), COL4A2-AS2 (COL4A2 antisense RNA 2; minus strand). Cytogenetic location: 13q34.
Variant type: single nucleotide variant.
Coding change: c.1597-1G>A on transcript NM_001846.4 (MANE Select); the canonical splice acceptor site of the intron before coding-DNA position 1597, G replaced by A.
Molecular consequence: splice acceptor variant.
Genome position (GRCh38, 1-based): chr13:110,462,113, G>A. VCF-style: chr13-110462113-G-A. GRCh37 (hg19) VCF-style: chr13-111114460-G-A.
Identifiers: ClinVar variation 632208 (VCV000632208.8), dbSNP rs745376502, ClinGen allele CA7049645.